The following is an entry in ClinVar:

ClinVar aggregate classification (germline): Uncertain significance (1 of 4 stars; one submission).

Conditions:
Bloom syndrome (BLM). Also called: Bloom-Torre-Machacek syndrome. Identifiers: Orphanet 125, MedGen C0005859, MONDO:0008876, OMIM 210900.

Submission:

Labcorp Genetics (formerly Invitae), Labcorp
Classification: Uncertain significance for Bloom syndrome. Last evaluated: 2025-01-23. Review status: criteria provided, single submitter. Criteria: Invitae Variant Classification Sherloc (09022015). Collection method: clinical testing. Allele origin: germline.
Comment: This sequence change replaces isoleucine, which is neutral and non-polar, with leucine, which is neutral and non-polar, at codon 847 of the BLM protein (p.Ile847Leu). This variant is not present in population databases (gnomAD no frequency). This variant has not been reported in the literature in individuals affected with BLM-related conditions. ClinVar contains an entry for this variant (Variation ID: 836822). Invitae Evidence Modeling of protein sequence and biophysical properties (such as structural, functional, and spatial information, amino acid conservation, physicochemical variation, residue mobility, and thermodynamic stability) indicates that this missense variant is not expected to disrupt BLM protein function with a negative predictive value of 80%. In summary, the available evidence is currently insufficient to determine the role of this variant in disease. Therefore, it has been classified as a Variant of Uncertain Significance.

NM_000057.4(BLM):c.2539A>C (p.Ile847Leu)

Gene: BLM (BLM RecQ like helicase; plus strand). Cytogenetic location: 15q26.1.
Variant type: single nucleotide variant.
Coding change: c.2539A>C on transcript NM_000057.4 (MANE Select); coding-DNA position 2539, A replaced by C.
Protein change: p.Ile847Leu; replaces isoleucine 847 with leucine.
Molecular consequence: missense variant.
Genome position (GRCh38, 1-based): chr15:90,769,570, A>C. VCF-style: chr15-90769570-A-C. GRCh37 (hg19) VCF-style: chr15-91312800-A-C.
Other names: c.2539A>C, p.Ile847Leu (NM_001287246.2, NM_001287247.2); c.1414A>C, p.Ile472Leu (NM_001287248.2); short protein forms I847L, I472L.
Identifiers: ClinVar variation 836822 (VCV000836822.10), dbSNP rs1896243843, ClinGen allele CA393845532.